The following is an entry in ClinVar:

NM_013247.5(HTRA2):c.463_465del (p.Glu155del)

Gene: HTRA2 (HtrA serine peptidase 2; plus strand). Cytogenetic location: 2p13.1.
Variant type: Deletion.
Coding change: c.463_465del on transcript NM_013247.5 (MANE Select); coding-DNA positions 463 to 465, 3 bases deleted (GAG; older notation c.463_465delGAG).
Protein change: p.Glu155del; deletes glutamic acid 155.
Molecular consequence: inframe deletion. On other transcripts: non-coding transcript variant (4).
Genome position (GRCh38, 1-based): chr2:74,530,469-74,530,471, GAG deleted; deleting any 3 consecutive bases within chr2:74,530,468-74,530,471 gives the same sequence; the c. name uses the placement nearest the transcript's 3' end. VCF-style (leftmost placement, unchanged base first): chr2-74530467-TGGA-T. GRCh37 (hg19) VCF-style: chr2-74757594-TGGA-T.
Other names: c.463_465del, p.Glu155del (NM_001321727.1, NM_001321728.1, NM_145074.2); short protein forms E155del.
Identifiers: ClinVar variation 1205544 (VCV001205544.3), dbSNP rs1021071226, ClinGen allele CA50487613.
Genomic context (GRCh38, chr2:74,530,467, plus strand): 5'-CCGTCCCTAGCCCGCCGCCCGCTTCTCCCCGGAGTCAGTACAACTTCATCGCAGATGTGG[TGGA>T]GAAGACAGCACCTGCCGTGGTCTATATCGAGATCCTGGACCGGTAATGGTGGGGGTAGAC-3'

ClinVar aggregate classification (germline): Uncertain significance (1 of 4 stars; one submission).

Submission:

GeneDx
Classification: Uncertain significance. Last evaluated: 2020-06-30. Review status: criteria provided, single submitter. Criteria: GeneDx Variant Classification Process June 2021. Collection method: clinical testing. Allele origin: germline. Affected: yes.
Comment: Not observed in large population cohorts (Lek et al., 2016); In-frame deletion of 1 amino acid in a non-repeat region; In silico analysis, which includes protein predictors and evolutionary conservation, supports a deleterious effect; Has not been previously published as pathogenic or benign to our knowledge